The following is an entry in ClinVar:

NM_005228.5(EGFR):c.424+6A>G

Gene: EGFR (epidermal growth factor receptor; plus strand). Cytogenetic location: 7p11.2.
Variant type: single nucleotide variant.
Coding change: c.424+6A>G on transcript NM_005228.5 (MANE Select); 6 bases into the intron after coding-DNA position 424, A replaced by G.
Molecular consequence: intron variant.
Genome position (GRCh38, 1-based): chr7:55,143,494, A>G. VCF-style: chr7-55143494-A-G. GRCh37 (hg19) VCF-style: chr7-55211187-A-G.
Other names: c.424+6A>G (NM_001346899.2, NM_001346898.2, NM_001346897.2 and 3 more transcripts); c.89-12336A>G (NM_001346941.2); c.265+6A>G (NM_001346900.2).
Identifiers: ClinVar variation 1919177 (VCV001919177.5), dbSNP rs2128927614, ClinGen allele CA2580077242.

ClinVar aggregate classification (germline): Uncertain significance (1 of 4 stars; one submission).

Conditions:
EGFR-related lung cancer (EGFR). Identifiers: MedGen CN130014.

Submission:

Labcorp Genetics (formerly Invitae), Labcorp
Classification: Uncertain significance for EGFR-related lung cancer. Last evaluated: 2022-10-21. Review status: criteria provided, single submitter. Criteria: Invitae Variant Classification Sherloc (09022015). Collection method: clinical testing. Allele origin: germline.
Comment: This sequence change falls in intron 3 of the EGFR gene. It does not directly change the encoded amino acid sequence of the EGFR protein. It affects a nucleotide within the consensus splice site. This variant is not present in population databases (gnomAD no frequency). This variant has not been reported in the literature in individuals affected with EGFR-related conditions. Variants that disrupt the consensus splice site are a relatively common cause of aberrant splicing (PMID: 17576681, 9536098). Algorithms developed to predict the effect of sequence changes on RNA splicing suggest that this variant is not likely to affect RNA splicing. In summary, the available evidence is currently insufficient to determine the role of this variant in disease. Therefore, it has been classified as a Variant of Uncertain Significance.

Literature cited by the submitters: PubMed 17576681; PubMed 9536098.